The following is an entry in ClinVar:

ClinVar aggregate classification (germline): Uncertain significance (1 of 4 stars; one submission).

Conditions:
Glycogen storage disease due to muscle beta-enolase deficiency (GSD13). Also called: Glycogen Storage Disease Type XIII; ENOLASE 3 DEFICIENCY; ENOLASE-BETA DEFICIENCY; GSD XIII. Identifiers: Orphanet 99849, MedGen C2752027, MONDO:0013046, OMIM 612932.

Submission:

Labcorp Genetics (formerly Invitae), Labcorp
Classification: Uncertain significance for Glycogen storage disease due to muscle beta-enolase deficiency. Last evaluated: 2025-07-16. Review status: criteria provided, single submitter. Criteria: Invitae Variant Classification Sherloc (09022015). Collection method: clinical testing. Allele origin: germline.
Comment: This sequence change replaces alanine, which is neutral and non-polar, with valine, which is neutral and non-polar, at codon 336 of the ENO3 protein (p.Ala336Val). This variant is present in population databases (rs747487306, gnomAD 0.0009%). This variant has not been reported in the literature in individuals affected with ENO3-related conditions. Invitae Evidence Modeling of protein sequence and biophysical properties (such as structural, functional, and spatial information, amino acid conservation, physicochemical variation, residue mobility, and thermodynamic stability) indicates that this missense variant is not expected to disrupt ENO3 protein function with a negative predictive value of 80%. In summary, the available evidence is currently insufficient to determine the role of this variant in disease. Therefore, it has been classified as a Variant of Uncertain Significance.

NM_053013.4(ENO3):c.1007C>T (p.Ala336Val)

Gene: ENO3 (enolase 3; plus strand). Cytogenetic location: 17p13.2.
Variant type: single nucleotide variant.
Coding change: c.1007C>T on transcript NM_053013.4 (MANE Select); coding-DNA position 1007, C replaced by T.
Protein change: p.Ala336Val; replaces alanine 336 with valine.
Molecular consequence: missense variant.
Genome position (GRCh38, 1-based): chr17:4,956,083, C>T. VCF-style: chr17-4956083-C-T. GRCh37 (hg19) VCF-style: chr17-4859378-C-T.
Other names: c.878C>T, p.Ala293Val (NM_001193503.2); c.1007C>T, p.Ala336Val (NM_001374523.1, NM_001976.5); c.1034C>T, p.Ala345Val (NM_001374524.1); short protein forms A345V, A293V, A336V.
Identifiers: ClinVar variation 4739417 (VCV004739417.1).
Genomic context (GRCh38, chr17:4,956,083, plus strand): 5'-TGGGGGATGACTTGACAGTCACCAACCCCAAGAGGATTGCCCAGGCCGTTGAGAAGAAGG[C>T]CTGCAACTGTCTGCTGCTGAAGGTCAACCAGATCGGCTCGGTGACCGAATCGATCCAGGC-3'
Protein context (NP_443739.3, residues 326-346): KRIAQAVEKK[Ala336Val]CNCLLLKVNQ